The following is an entry in ClinVar:

ClinVar aggregate classification (germline): Uncertain significance (1 of 4 stars; one submission).

Conditions:
Mitochondrial DNA depletion syndrome, encephalomyopathic form with methylmalonic aciduria (MTDPS5). Also called: SUCLA2-Related Mitochondrial DNA Depletion Syndrome, Encephalomyopathic Form with Methylmalonic Aciduria; Mitochondrial encephalomyopathy aminoacidopathy; MITOCHONDRIAL DNA DEPLETION SYNDROME, ENCEPHALOMYOPATHIC FORM, WITH OR WITHOUT METHYLMALONIC ACIDURIA, AUTOSOMAL RECESSIVE, SUCLA2-RELATED; Mitochondrial DNA depletion syndrome 5 (encephalomyopathic with or without methylmalonic aciduria). Identifiers: Orphanet 1933, MedGen C5980207, MONDO:0012791, OMIM 612073.

Submission:

Labcorp Genetics (formerly Invitae), Labcorp
Classification: Uncertain significance for Mitochondrial DNA depletion syndrome, encephalomyopathic form with methylmalonic aciduria. Last evaluated: 2021-12-23. Review status: criteria provided, single submitter. Criteria: Invitae Variant Classification Sherloc (09022015). Collection method: clinical testing. Allele origin: germline.
Comment: This sequence change replaces valine, which is neutral and non-polar, with phenylalanine, which is neutral and non-polar, at codon 131 of the SUCLA2 protein (p.Val131Phe). This variant is not present in population databases (gnomAD no frequency). This variant has not been reported in the literature in individuals affected with SUCLA2-related conditions. Algorithms developed to predict the effect of missense changes on protein structure and function are either unavailable or do not agree on the potential impact of this missense change (SIFT: "Deleterious"; PolyPhen-2: "Benign"; Align-GVGD: "Class C0"). In summary, the available evidence is currently insufficient to determine the role of this variant in disease. Therefore, it has been classified as a Variant of Uncertain Significance.

NM_003850.3(SUCLA2):c.391G>T (p.Val131Phe)

Gene: SUCLA2 (succinate-CoA ligase ADP-forming subunit beta; minus strand). Cytogenetic location: 13q14.2.
Variant type: single nucleotide variant.
Coding change: c.391G>T on transcript NM_003850.3 (MANE Select); coding-DNA position 391, G replaced by T.
Protein change: p.Val131Phe; replaces valine 131 with phenylalanine.
Molecular consequence: missense variant.
Genome position (GRCh38, 1-based): chr13:47,988,684, C>A on the plus strand (G>T on the coding strand, the complement: SUCLA2 is on the minus strand). VCF-style: chr13-47988684-C-A. GRCh37 (hg19) VCF-style: chr13-48562819-C-A.
Other names: short protein forms V131F.
Identifiers: ClinVar variation 2054429 (VCV002054429.1), dbSNP rs772934054, ClinGen allele CA388150992.
Genomic context (GRCh38, chr13:47,988,684, plus strand): 5'-TTCTGCCCTTTTCTCCCGTTTGCTTGGTAAACAATTTTTTCCCAATCATTTGTGAAGAAA[C>A]AGCTTTTGCTTCTTCTGGACTAAAATAAGAAAAAGAACTCAAATTTTTCTTTCCTCCAGT-3'
Protein context (NP_003841.1, residues 121-141): IVFSPEEAKA[Val131Phe]SSQMIGKKLF